The following is an entry in ClinVar:

ClinVar aggregate classification (germline): Likely benign. Review status: criteria provided, multiple submitters, no conflicts (2 of 4 stars). 3 submissions from 3 submitters: Likely benign (2). 1 of the submissions does not count toward it. Last evaluated 2025-09-05.

Conditions:
Inborn genetic diseases. Identifiers: MedGen C0950123, MeSH D030342.
CUL4B-related disorder. Also called: CUL4B-related condition.
X-linked intellectual disability Cabezas type (MRXSC). Also called: CABEZAS SYNDROME; MENTAL RETARDATION, X-LINKED, SYNDROMIC 15; Intellectual developmental disorder, X-linked syndromic, Cabezas type. Identifiers: Orphanet 85289, Orphanet 85293, MedGen C1845861, MONDO:0010306, OMIM 300354.

Allele frequency attached by ClinVar (database versions not stated): ExAC 0.00002; 1000 Genomes Project 30x 0.00021; TOPMed 0.00002; 1000 Genomes Project 0.00026; gnomAD exomes 0.00001; gnomAD 0.00003.
gnomAD v4.1: 9 of 1,194,529 alleles (0.00075%); highest among the groups gnomAD compares: Admixed American, 0.0044%; no homozygotes.

Submissions (3):

Labcorp Genetics (formerly Invitae), Labcorp
Classification: Likely benign for X-linked intellectual disability Cabezas type. Last evaluated: 2025-09-05. Review status: criteria provided, single submitter. Criteria: Invitae Variant Classification Sherloc (09022015). Collection method: clinical testing. Allele origin: germline.

Ambry Genetics
Classification: Likely benign for Inborn genetic diseases. Last evaluated: 2019-09-23. Review status: criteria provided, single submitter. Criteria: Ambry Variant Classification Scheme 2023. Collection method: clinical testing. Allele origin: germline.

PreventionGenetics, part of Exact Sciences
Classification: Likely benign for CUL4B-related condition. Last evaluated: 2022-05-26. Review status: no assertion criteria provided. Collection method: clinical testing. Allele origin: germline. Not counted in ClinVar's aggregate classification.
Comment: This variant is classified as likely benign based on ACMG/AMP sequence variant interpretation guidelines (Richards et al. 2015 PMID: 25741868, with internal and published modifications).

NM_001079872.2(CUL4B):c.1695T>G (p.Leu565=)

Gene: CUL4B (cullin 4B; minus strand). Cytogenetic location: Xq24.
Variant type: single nucleotide variant.
Coding change: c.1695T>G on transcript NM_001079872.2 (MANE Select); coding-DNA position 1695, T replaced by G.
Protein change: p.Leu565=; no amino-acid change (leucine 565 retained).
Molecular consequence: synonymous variant.
Genome position (GRCh38, 1-based): chrX:120,539,314, A>C on the plus strand (T>G on the coding strand, the complement: CUL4B is on the minus strand). VCF-style: chrX-120539314-A-C. GRCh37 (hg19) VCF-style: chrX-119673169-A-C.
Other names: c.1710T>G, p.Leu570= (NM_001330624.2); c.1161T>G, p.Leu387= (NM_001369145.1); c.1749T>G, p.Leu583= (NM_003588.4).
Identifiers: ClinVar variation 1779350 (VCV001779350.5), dbSNP rs200296520, ClinGen allele CA10505508.